The following is an entry in ClinVar:

ClinVar aggregate classification (germline): Uncertain significance (1 of 4 stars; one submission).

Conditions:
Camptomelic dysplasia (CMPD). Also called: CMPD1/SRA1; Campomelic Dysplasia. Identifiers: Orphanet 140, MedGen C1861922, MONDO:0007251, OMIM 114290.

Submission:

Labcorp Genetics (formerly Invitae), Labcorp
Classification: Uncertain significance for Camptomelic dysplasia. Last evaluated: 2022-10-21. Review status: criteria provided, single submitter. Criteria: Invitae Variant Classification Sherloc (09022015). Collection method: clinical testing. Allele origin: germline.
Comment: In summary, the available evidence is currently insufficient to determine the role of this variant in disease. Therefore, it has been classified as a Variant of Uncertain Significance. Advanced modeling of protein sequence and biophysical properties (such as structural, functional, and spatial information, amino acid conservation, physicochemical variation, residue mobility, and thermodynamic stability) performed at Invitae indicates that this missense variant is expected to disrupt SOX9 protein function. This variant has not been reported in the literature in individuals affected with SOX9-related conditions. This variant is not present in population databases (gnomAD no frequency). This sequence change replaces leucine, which is neutral and non-polar, with valine, which is neutral and non-polar, at codon 81 of the SOX9 protein (p.Leu81Val).

NM_000346.4(SOX9):c.241C>G (p.Leu81Val)

Genes: SOX9 (SRY-box transcription factor 9; plus strand), LOC108021846 (SOX9 promoter region; plus strand). Cytogenetic location: 17q24.3.
Variant type: single nucleotide variant.
Coding change: c.241C>G on transcript NM_000346.4 (MANE Select); coding-DNA position 241, C replaced by G.
Protein change: p.Leu81Val; replaces leucine 81 with valine.
Molecular consequence: missense variant.
Genome position (GRCh38, 1-based): chr17:72,121,632, C>G. VCF-style: chr17-72121632-C-G. GRCh37 (hg19) VCF-style: chr17-70117773-C-G.
Other names: short protein forms L81V.
Identifiers: ClinVar variation 1721991 (VCV001721991.6), dbSNP rs1424115604, ClinGen allele CA400865831.